The following is an entry in ClinVar:

ClinVar aggregate classification (germline): Likely benign (1 of 4 stars; one submission).

Submission:

CeGaT Center for Human Genetics Tuebingen
Classification: Likely benign. Last evaluated: 2025-03-01. Review status: criteria provided, single submitter. Criteria: CeGaT Center For Human Genetics Tuebingen Variant Classification Criteria Version 2. Collection method: clinical testing. Allele origin: germline. Affected: yes. Observed: 2 variant alleles.
Comment: KDM6B: BP4, BP7, BS1

NM_001348716.2(KDM6B):c.1542T>C (p.Pro514=)

Gene: KDM6B (lysine demethylase 6B; plus strand). Cytogenetic location: 17p13.1.
Variant type: single nucleotide variant.
Coding change: c.1542T>C on transcript NM_001348716.2 (MANE Select); coding-DNA position 1542, T replaced by C.
Protein change: p.Pro514=; no amino-acid change (proline 514 retained).
Molecular consequence: synonymous variant.
Genome position (GRCh38, 1-based): chr17:7,847,830, T>C. VCF-style: chr17-7847830-T-C. GRCh37 (hg19) VCF-style: chr17-7751148-T-C.
Other names: c.1542T>C, p.Pro514= (NM_001080424.2).
Identifiers: ClinVar variation 2647401 (VCV002647401.24), dbSNP rs1209015647, ClinGen allele CA497946834.